The following is an entry in ClinVar:

NM_001394966.1(NEK10):c.3282C>A (p.Tyr1094Ter)

Gene: NEK10 (NIMA related kinase 10; minus strand). Cytogenetic location: 3p24.1.
Variant type: single nucleotide variant.
Coding change: c.3282C>A on transcript NM_001394966.1 (MANE Select); coding-DNA position 3282, C replaced by A.
Protein change: p.Tyr1094Ter; replaces tyrosine 1094 with a stop codon.
Molecular consequence: nonsense.
Genome position (GRCh38, 1-based): chr3:27,115,957, G>T on the plus strand (C>A on the coding strand, the complement: NEK10 is on the minus strand). VCF-style: chr3-27115957-G-T. GRCh37 (hg19) VCF-style: chr3-27157448-G-T.
Other names: c.1359C>A, p.Tyr453Ter (NM_001031741.5); c.1389C>A, p.Tyr463Ter (NM_001304384.3); c.3423C>A, p.Tyr1141Ter (NM_001394963.1); c.3366C>A, p.Tyr1122Ter (NM_001394964.1); c.3312C>A, p.Tyr1104Ter (NM_001394965.1, NM_001394971.1); c.3225C>A, p.Tyr1075Ter (NM_001394967.1); c.3165C>A, p.Tyr1055Ter (NM_001394968.1); c.2994C>A, p.Tyr998Ter (NM_001394969.1); and 2 more; short protein forms Y1055*, Y1075*, Y1094*, Y1104*, Y1122*, Y1141*, Y1151*, Y453*.
Identifiers: ClinVar variation 2575401 (VCV002575401.3), dbSNP rs768169562, ClinGen allele CA2290081.
Genomic context (GRCh38, chr3:27,115,957, plus strand): 5'-CTCAATTCATCTTTCACAATTGAAGGCAAACTCTAGCTCTTACCTGTTAGATGTAAAATT[G>T]TAATAGCCACTTTCCTCAAGGACTTCTTCAATCACAGTCTAAAATTTTAAAAATCAGGTT-3'

ClinVar aggregate classification (germline): Conflicting classifications of pathogenicity. Review status: criteria provided, conflicting classifications (1 of 4 stars). 3 submissions from 3 submitters: Likely pathogenic (2); Uncertain significance (1). Last evaluated 2025-09-23.

Conditions:
Ciliary dyskinesia, primary, 44. Also called: CILIARY DYSKINESIA, PRIMARY, 44, WITHOUT SITUS INVERSUS. Identifiers: MedGen C5394063, MONDO:0032914, OMIM 618781.

Allele frequency attached by ClinVar (database versions not stated): gnomAD exomes below 0.00001; ExAC 0.00001.
gnomAD v4.1: 5 of 1,612,378 alleles (0.00031%); highest among the groups gnomAD compares: Middle Eastern, 0.051%; no homozygotes.

Submissions (3):

First Genomix Gene Laboratory, Genetic Diagnostics Department
Classification: Likely pathogenic for Ciliary dyskinesia, primary, 44. Last evaluated: 2025-09-23. Review status: criteria provided, single submitter. Criteria: ACMG Guidelines, 2015. Collection method: clinical testing. Allele origin: germline. Inheritance: Autosomal recessive inheritance. Affected: no. Observed: 1 variant allele.

Center for Genomic Medicine, Rigshospitalet, Copenhagen University Hospital
Classification: Uncertain significance. Last evaluated: 2025-03-04. Review status: criteria provided, single submitter. Criteria: ACMG Guidelines, 2015. Collection method: clinical testing. Allele origin: germline.

Genomic Medicine Center of Excellence, King Faisal Specialist Hospital and Research Centre
Classification: Likely pathogenic for Ciliary dyskinesia, primary, 44. Last evaluated: 2024-03-26. Review status: criteria provided, single submitter. Criteria: ACMG Guidelines, 2015. Collection method: clinical testing. Allele origin: germline.

Literature cited by the submitters: PubMed 31959991 (cited by Center for Genomic Medicine, Rigshospitalet, Copenhagen University Hospital).